The following is an entry in ClinVar:

NM_014159.7(SETD2):c.3605T>A (p.Leu1202Gln)

Gene: SETD2 (SET domain containing 2, histone lysine methyltransferase; minus strand). Cytogenetic location: 3p21.31.
Variant type: single nucleotide variant.
Coding change: c.3605T>A on transcript NM_014159.7 (MANE Select); coding-DNA position 3605, T replaced by A.
Protein change: p.Leu1202Gln; replaces leucine 1202 with glutamine.
Molecular consequence: missense variant. On other transcripts: non-coding transcript variant (1).
Genome position (GRCh38, 1-based): chr3:47,121,031, A>T on the plus strand (T>A on the coding strand, the complement: SETD2 is on the minus strand). VCF-style: chr3-47121031-A-T. GRCh37 (hg19) VCF-style: chr3-47162521-A-T.
Other names: c.3473T>A, p.Leu1158Gln (NM_001349370.3); short protein forms L1158Q, L1202Q.
Identifiers: ClinVar variation 2431808 (VCV002431808.3), dbSNP rs777689107, ClinGen allele CA352521851.

ClinVar aggregate classification (germline): Uncertain significance. Review status: criteria provided, multiple submitters, no conflicts (2 of 4 stars). 2 submissions from 2 submitters: Uncertain significance (2). Last evaluated 2026-02-04.

Conditions:
Luscan-Lumish syndrome. Identifiers: Orphanet 597738, MedGen C4085873, MONDO:0014791, OMIM 616831.

Submissions (2):

Dasa
Classification: Uncertain significance. Last evaluated: 2026-02-04. Review status: criteria provided, single submitter. Criteria: DASA Assertion Criteria. Collection method: clinical testing. Allele origin: germline.
Comment: NM_014159.7(SETD2):c.3605T>A (p.Leu1202Gln) is a missense variant that results in the substitution of leucine with glutamine. This variant is rare in population databases. The currently available literature and clinical evidence are not sufficient to establish a definitive association between this variant and the reported condition. Therefore, this variant is classified as a variant of uncertain significance.

Laboratorio de Genetica e Diagnostico Molecular, Hospital Israelita Albert Einstein
Classification: Uncertain significance for Luscan-Lumish syndrome. Last evaluated: 2022-12-21. Review status: criteria provided, single submitter. Criteria: ACMG Guidelines, 2015. Collection method: clinical testing. Allele origin: germline. Affected: yes. Observed: 1 variant allele.
Comment: ACMG classification criteria: PM2 moderated, BP4 supporting